The following is an entry in ClinVar:

NM_025114.4(CEP290):c.3533del (p.Lys1178fs)

Gene: CEP290 (centrosomal protein 290; minus strand). Cytogenetic location: 12q21.32.
Variant type: Deletion.
Coding change: c.3533del on transcript NM_025114.4 (MANE Select); coding-DNA position 3533, one base deleted (A; older notation c.3533delA).
Protein change: p.Lys1178fs; shifts the reading frame from lysine 1178.
Molecular consequence: frameshift variant.
Genome position (GRCh38, 1-based): chr12:88,090,768, T deleted on the plus strand (A on the coding strand, the reverse complement: CEP290 is on the minus strand); the first of 2 consecutive T bases (chr12:88,090,768-88,090,769); deleting either gives the same sequence. VCF-style (leftmost placement, unchanged base first): chr12-88090767-CT-C. GRCh37 (hg19) VCF-style: chr12-88484544-CT-C.
Other names: short protein forms K1178fs.
Identifiers: ClinVar variation 835584 (VCV000835584.8), dbSNP rs2036971853, ClinGen allele CA916083327.

ClinVar aggregate classification (germline): Pathogenic (1 of 4 stars; one submission).

Conditions:
Meckel-Gruber syndrome. Also called: DYSENCEPHALIA SPLANCHNOCYSTICA; GRUBER SYNDROME; Dysencephalia splachnocystica. Identifiers: Orphanet 564, MedGen C0265215, MONDO:0018921.
Nephronophthisis. Also called: Juvenile Nephronophthisis. Identifiers: Orphanet 655, MedGen C0687120, MONDO:0019005, HP:0000090.
Joubert syndrome. Also called: CEREBELLOPARENCHYMAL DISORDER IV; JOUBERT-BOLTSHAUSER SYNDROME; Familial aplasia of the vermis. Identifiers: Orphanet 475, MedGen C5979921, MONDO:0018772.

Submission:

Labcorp Genetics (formerly Invitae), Labcorp
Classification: Pathogenic for Joubert syndrome; Meckel-Gruber syndrome; Nephronophthisis. Last evaluated: 2019-04-03. Review status: criteria provided, single submitter. Criteria: Invitae Variant Classification Sherloc (09022015). Collection method: clinical testing. Allele origin: germline.
Comment: This sequence change creates a premature translational stop signal (p.Lys1178Argfs*3) in the CEP290 gene. It is expected to result in an absent or disrupted protein product. For these reasons, this variant has been classified as Pathogenic. Loss-of-function variants in CEP290 are known to be pathogenic (PMID: 16909394, 17345604, 20690115). This variant has not been reported in the literature in individuals with CEP290-related conditions. This variant is not present in population databases (ExAC no frequency).

Literature cited by the submitters: PubMed 16909394; PubMed 17345604; PubMed 20690115.